The following is an entry in ClinVar:

ClinVar aggregate classification (germline): Conflicting classifications of pathogenicity. Review status: criteria provided, conflicting classifications (1 of 4 stars). 2 submissions from 2 submitters: Uncertain significance (1); Likely benign (1). Last evaluated 2022-11-01.

Allele frequency attached by ClinVar (database versions not stated): gnomAD exomes 0.00002; ExAC 0.00003.
gnomAD v4.1: 15 of 1,613,888 alleles (0.00093%); highest among the groups gnomAD compares: East Asian, 0.031%; 1 homozygote.

Submissions (2):

Labcorp Genetics (formerly Invitae), Labcorp
Classification: Uncertain significance. Last evaluated: 2022-11-01. Review status: criteria provided, single submitter. Criteria: Invitae Variant Classification Sherloc (09022015). Collection method: clinical testing. Allele origin: germline.
Comment: This sequence change falls in intron 30 of the LRP2 gene. It does not directly change the encoded amino acid sequence of the LRP2 protein. It affects a nucleotide within the consensus splice site. This variant is present in population databases (rs766473797, gnomAD 0.02%). This variant has not been reported in the literature in individuals affected with LRP2-related conditions. ClinVar contains an entry for this variant (Variation ID: 1525559). Variants that disrupt the consensus splice site are a relatively common cause of aberrant splicing (PMID: 17576681, 9536098). Algorithms developed to predict the effect of sequence changes on RNA splicing suggest that this variant may disrupt the consensus splice site. In summary, the available evidence is currently insufficient to determine the role of this variant in disease. Therefore, it has been classified as a Variant of Uncertain Significance.

Blueprint Genetics
Classification: Likely benign. Last evaluated: 2022-04-12. Review status: criteria provided, single submitter. Criteria: ACMG Guidelines, 2015. Collection method: clinical testing. Allele origin: germline.

Literature cited by the submitters: PubMed 17576681 (cited by Labcorp Genetics (formerly Invitae), Labcorp); PubMed 9536098 (cited by Labcorp Genetics (formerly Invitae), Labcorp).

NM_004525.3(LRP2):c.5099-3C>T

Gene: LRP2 (LDL receptor related protein 2; minus strand). Cytogenetic location: 2q31.1.
Variant type: single nucleotide variant.
Coding change: c.5099-3C>T on transcript NM_004525.3 (MANE Select); 3 bases into the intron before coding-DNA position 5099, C replaced by T.
Molecular consequence: intron variant.
Genome position (GRCh38, 1-based): chr2:169,231,845, G>A on the plus strand (C>T on the coding strand, the complement: LRP2 is on the minus strand). VCF-style: chr2-169231845-G-A. GRCh37 (hg19) VCF-style: chr2-170088355-G-A.
Identifiers: ClinVar variation 1525559 (VCV001525559.4), dbSNP rs766473797, ClinGen allele CA1954611.